The following is an entry in ClinVar:

NM_025137.4(SPG11):c.1679C>G (p.Ser560Ter)

Gene: SPG11 (SPG11 vesicle trafficking associated, spatacsin; minus strand). Cytogenetic location: 15q21.1.
Variant type: single nucleotide variant.
Coding change: c.1679C>G on transcript NM_025137.4 (MANE Select); coding-DNA position 1679, C replaced by G.
Protein change: p.Ser560Ter; replaces serine 560 with a stop codon.
Molecular consequence: nonsense.
Genome position (GRCh38, 1-based): chr15:44,633,561, G>C on the plus strand (C>G on the coding strand, the complement: SPG11 is on the minus strand). VCF-style: chr15-44633561-G-C. GRCh37 (hg19) VCF-style: chr15-44925759-G-C.
Other names: c.1679C>G, p.Ser560Ter (NM_001160227.2); short protein forms S560*.
Identifiers: ClinVar variation 41279 (VCV000041279.3), dbSNP rs312262732, ClinGen allele CA344304.

ClinVar aggregate classification (germline): Likely pathogenic. Review status: criteria provided, single submitter (1 of 4 stars). 2 submissions from 2 submitters: Likely pathogenic (1). 1 of the submissions does not count toward it. Last evaluated 2023-05-01.

Conditions:
Hereditary spastic paraplegia 11. Also called: SPASTIC PARAPLEGIA, AUTOSOMAL RECESSIVE, COMPLICATED, WITH THIN CORPUS CALLOSUM; SPASTIC PARAPLEGIA, AUTOSOMAL RECESSIVE, WITH MENTAL IMPAIRMENT AND THIN CORPUS CALLOSUM; Spastic paraplegia, mental retardation and thin corpus callosum; Spastic Paraplegia 11; Nakamura Osame syndrome; Autosomal recessive hereditary spastic paraplegia, mental impairment, and thin corpus callosum. Identifiers: Orphanet 2822, MedGen C1858479, MONDO:0011445, OMIM 604360.

Submissions (2):

GeneDx
Classification: Likely pathogenic. Last evaluated: 2023-05-01. Review status: criteria provided, single submitter. Criteria: GeneDx Variant Classification Process June 2021. Collection method: clinical testing. Allele origin: germline. Affected: yes.
Comment: Reported with a second SPG11 variant, phase unknown, in an individual with spastic paraplegia (Denora et al., 2009); Nonsense variant predicted to result in protein truncation or nonsense mediated decay in a gene for which loss of function is a known mechanism of disease; Not observed at significant frequency in large population cohorts (gnomAD); This variant is associated with the following publications: (PMID: 25525159, 19105190)

GeneReviews
No classification provided. Condition: Hereditary spastic paraplegia 11. Review status: no classification provided. Collection method: literature only. Allele origin: unknown. Not counted in ClinVar's aggregate classification.

Literature cited by the submitters: PubMed 19105190 (cited by GeneReviews); PubMed 20301389 (cited by GeneReviews); NCBI Bookshelf NBK1210 (cited by GeneReviews).